The following is an entry in ClinVar:

ClinVar aggregate classification (germline): Benign (1 of 4 stars; one submission).

Conditions:
Hereditary leiomyomatosis and renal cell cancer. Also called: MULTIPLE CUTANEOUS AND UTERINE LEIOMYOMATA 1, WITH OR WITHOUT RENAL CELL CARCINOMA; LEIOMYOMA, MULTIPLE CUTANEOUS; FH tumor predisposition syndrome; Reed syndrome; Multiple cutaneous and uterine leiomyomatosis; Cutaneous leiomyomata with uterine leiomyomata. Identifiers: Orphanet 523, MedGen C1708350, MONDO:0007888, OMIM 150800, HP:0007437. Disease mechanism: loss of function.

Submission:

Myriad Genetics, Inc.
Classification: Benign for Hereditary leiomyomatosis and renal cell cancer. Last evaluated: 2024-10-21. Review status: criteria provided, single submitter. Criteria: Myriad Autosomal Dominant, Autosomal Recessive and X-Linked Classification Criteria (2023). Collection method: clinical testing. Allele origin: unknown.
Comment: This variant is considered benign. This variant is a silent/synonymous amino acid change and it is not expected to impact splicing.

NM_000143.4(FH):c.1287C>G (p.Ser429=)

Gene: FH (fumarate hydratase; minus strand). Cytogenetic location: 1q43.
Variant type: single nucleotide variant.
Coding change: c.1287C>G on transcript NM_000143.4 (MANE Select); coding-DNA position 1287, C replaced by G.
Protein change: p.Ser429=; no amino-acid change (serine 429 retained).
Molecular consequence: synonymous variant.
Genome position (GRCh38, 1-based): chr1:241,500,540, G>C on the plus strand (C>G on the coding strand, the complement: FH is on the minus strand). VCF-style: chr1-241500540-G-C. GRCh37 (hg19) VCF-style: chr1-241663840-G-C.
Identifiers: ClinVar variation 3773356 (VCV003773356.1).
Genomic context (GRCh38, chr1:241,500,540, plus strand): 5'-CATCAGCTTGTTGATCCTTTCTGTATTGGCCTGGATTCCCACCACGCAGTTTTCTGTAAA[G>C]GAAACTGAAGCATCCCCCAGCAGCCTGGCTGAGTGTAACACATTTTTAATCTTTGAGTGA-3'
Protein context (NP_000134.2, residues 419-439): SARLLGDASV[Ser429=]FTENCVVGIQ